The following is an entry in ClinVar:

NM_004260.4(RECQL4):c.287G>A (p.Arg96Gln)

Gene: RECQL4 (RecQ like helicase 4; minus strand). Cytogenetic location: 8q24.3.
Variant type: single nucleotide variant.
Coding change: c.287G>A on transcript NM_004260.4 (MANE Select); coding-DNA position 287, G replaced by A.
Protein change: p.Arg96Gln; replaces arginine 96 with glutamine.
Molecular consequence: missense variant. On other transcripts: 5 prime UTR variant (17), non-coding transcript variant (3).
Genome position (GRCh38, 1-based): chr8:144,517,117, C>T on the plus strand (G>A on the coding strand, the complement: RECQL4 is on the minus strand). VCF-style: chr8-144517117-C-T. GRCh37 (hg19) VCF-style: chr8-145742501-C-T.
Other names: c.287G>A (NM_004260.3); c.287G>A, p.Arg96Gln (NM_001413017.1, NM_001413033.1, NM_001413036.1 and 5 more transcripts); c.-847G>A (NM_001413031.1, NM_001413041.1, NM_001413027.1 and 1 more transcripts); c.-744G>A (NM_001413032.1); c.-689G>A (NM_001413034.1); c.-682G>A (NM_001413035.1, NM_001413024.1); c.-785G>A (NM_001413037.1, NM_001413038.1, NM_001413040.1 and 3 more transcripts); c.-1054G>A (NM_001413043.1); and 3 more; short protein forms R53Q, R96Q.
Identifiers: ClinVar variation 2992292 (VCV002992292.4), dbSNP rs760851442, ClinGen allele CA4949398.

ClinVar aggregate classification (germline): Uncertain significance. Review status: criteria provided, multiple submitters, no conflicts (2 of 4 stars). 2 submissions from 2 submitters: Uncertain significance (2). Last evaluated 2025-02-21.

Conditions:
Baller-Gerold syndrome (BGS). Also called: CRANIOSYNOSTOSIS WITH RADIAL DEFECTS. Identifiers: Orphanet 1225, MedGen C0265308, MONDO:0009039, OMIM 218600.
Inborn genetic diseases. Identifiers: MedGen C0950123, MeSH D030342.

Allele frequency attached by ClinVar (database versions not stated): ExAC 0.00001; gnomAD 0.00001; TOPMed 0.00002.

Submissions (2):

Ambry Genetics
Classification: Uncertain significance for Inborn genetic diseases. Last evaluated: 2025-02-21. Review status: criteria provided, single submitter. Criteria: Ambry Variant Classification Scheme 2023. Collection method: clinical testing. Allele origin: germline.
Comment: The p.R96Q variant (also known as c.287G>A), located in coding exon 4 of the RECQL4 gene, results from a G to A substitution at nucleotide position 287. The arginine at codon 96 is replaced by glutamine, an amino acid with highly similar properties. This amino acid position is conserved. In addition, this alteration is predicted to be tolerated by in silico analysis. Based on the available evidence, the clinical significance of this variant remains unclear.

Labcorp Genetics (formerly Invitae), Labcorp
Classification: Uncertain significance for Baller-Gerold syndrome. Last evaluated: 2023-04-20. Review status: criteria provided, single submitter. Criteria: Invitae Variant Classification Sherloc (09022015). Collection method: clinical testing. Allele origin: germline.
Comment: In summary, the available evidence is currently insufficient to determine the role of this variant in disease. Therefore, it has been classified as a Variant of Uncertain Significance. Advanced modeling of protein sequence and biophysical properties (such as structural, functional, and spatial information, amino acid conservation, physicochemical variation, residue mobility, and thermodynamic stability) performed at Invitae indicates that this missense variant is not expected to disrupt RECQL4 protein function. This variant has not been reported in the literature in individuals affected with RECQL4-related conditions. The frequency data for this variant in the population databases is considered unreliable, as metrics indicate poor data quality at this position in the gnomAD database. This sequence change replaces arginine, which is basic and polar, with glutamine, which is neutral and polar, at codon 96 of the RECQL4 protein (p.Arg96Gln).